The following is an entry in ClinVar:

NM_001927.4(DES):c.615G>C (p.Glu205Asp)

Gene: DES (desmin; plus strand). Cytogenetic location: 2q35.
Variant type: single nucleotide variant.
Coding change: c.615G>C on transcript NM_001927.4 (MANE Select); coding-DNA position 615, G replaced by C.
Protein change: p.Glu205Asp; replaces glutamic acid 205 with aspartic acid.
Molecular consequence: missense variant. On other transcripts: intron variant (1).
Genome position (GRCh38, 1-based): chr2:219,420,131, G>C. VCF-style: chr2-219420131-G-C. GRCh37 (hg19) VCF-style: chr2-220284853-G-C.
Other names: c.615G>C, p.Glu205Asp (NM_001382708.1, NM_001382709.1, NM_001382710.1 and 2 more transcripts); c.496-394G>C (NM_001382713.1); c.615G>C (NM_001927.3); short protein forms E205D.
Identifiers: ClinVar variation 1360780 (VCV001360780.10), dbSNP rs1295010624, ClinGen allele CA350689909.

ClinVar aggregate classification (germline): Uncertain significance. Review status: criteria provided, multiple submitters, no conflicts (2 of 4 stars). 4 submissions from 4 submitters: Uncertain significance (4). Last evaluated 2025-02-26.

Conditions:
Desmin-related myofibrillar myopathy (MFM1). Also called: Desminopathy; Desmin related myopathy (former name); Desmin storage myopathy (former name); MYOFIBRILLAR MYOPATHY WITH ARRHYTHMOGENIC RIGHT VENTRICULAR CARDIOMYOPATHY; DESMIN-RELATED MYOPATHY WITH ARRHYTHMOGENIC RIGHT VENTRICULAR CARDIOMYOPATHY; Myofibrillar myopathy 1. Identifiers: Orphanet 363543, Orphanet 98909, MedGen C1832370, MONDO:0011076, OMIM 601419.
Neurogenic scapuloperoneal syndrome, Kaeser type (SCPNK). Also called: KAESER SYNDROME. Identifiers: Orphanet 85146, MedGen C1867005, MONDO:0008407, OMIM 181400.
Dilated cardiomyopathy 1I (CMD1I). Identifiers: Orphanet 154, MedGen C1858154, MONDO:0011482, OMIM 604765.
Cardiovascular phenotype. Identifiers: MedGen CN230736.

Allele frequency attached by ClinVar (database versions not stated): TOPMed below 0.00001; gnomAD 0.00001.
gnomAD v4.1: 1 of 1,614,128 alleles (0.000062%); highest among the groups gnomAD compares: Non-Finnish European, 0.000085%; no homozygotes.

Submissions (4):

Labcorp Genetics (formerly Invitae), Labcorp
Classification: Uncertain significance for Desmin-related myofibrillar myopathy. Last evaluated: 2025-02-26. Review status: criteria provided, single submitter. Criteria: Invitae Variant Classification Sherloc (09022015). Collection method: clinical testing. Allele origin: germline.
Comment: This sequence change replaces glutamic acid, which is acidic and polar, with aspartic acid, which is acidic and polar, at codon 205 of the DES protein (p.Glu205Asp). This variant is not present in population databases (gnomAD no frequency). This variant has not been reported in the literature in individuals affected with DES-related conditions. ClinVar contains an entry for this variant (Variation ID: 1360780). Invitae Evidence Modeling of protein sequence and biophysical properties (such as structural, functional, and spatial information, amino acid conservation, physicochemical variation, residue mobility, and thermodynamic stability) has been performed for this missense variant. However, the output from this modeling did not meet the statistical confidence thresholds required to predict the impact of this variant on DES protein function. In summary, the available evidence is currently insufficient to determine the role of this variant in disease. Therefore, it has been classified as a Variant of Uncertain Significance.

Ambry Genetics
Classification: Uncertain significance for Cardiovascular phenotype. Last evaluated: 2024-09-02. Review status: criteria provided, single submitter. Criteria: Ambry Variant Classification Scheme 2023. Collection method: clinical testing. Allele origin: germline.
Comment: The p.E205D variant (also known as c.615G>C), located in coding exon 2 of the DES gene, results from a G to C substitution at nucleotide position 615. The glutamic acid at codon 205 is replaced by aspartic acid, an amino acid with highly similar properties. This amino acid position is conserved. In addition, this alteration is predicted to be deleterious by in silico analysis. Based on the available evidence, the clinical significance of this variant remains unclear.

AiLife Diagnostics
Classification: Uncertain significance. Last evaluated: 2021-10-12. Review status: criteria provided, single submitter. Criteria: ACMG Guidelines, 2015. Collection method: clinical testing. Allele origin: germline. Affected: yes. Observed: 1 variant allele.

Fulgent Genetics
Classification: Uncertain significance for Neurogenic scapuloperoneal syndrome, Kaeser type; Desmin-related myofibrillar myopathy; Dilated cardiomyopathy 1I. Last evaluated: 2021-08-20. Review status: criteria provided, single submitter. Criteria: ACMG Guidelines, 2015. Collection method: clinical testing. Allele origin: unknown.